The following is an entry in ClinVar:

NM_001999.4(FBN2):c.1400T>C (p.Phe467Ser)

Gene: FBN2 (fibrillin 2; minus strand). Cytogenetic location: 5q23.3.
Variant type: single nucleotide variant.
Coding change: c.1400T>C on transcript NM_001999.4 (MANE Select); coding-DNA position 1400, T replaced by C.
Protein change: p.Phe467Ser; replaces phenylalanine 467 with serine.
Molecular consequence: missense variant.
Genome position (GRCh38, 1-based): chr5:128,393,200, A>G on the plus strand (T>C on the coding strand, the complement: FBN2 is on the minus strand). VCF-style: chr5-128393200-A-G. GRCh37 (hg19) VCF-style: chr5-127728893-A-G.
Other names: c.1400T>C (NM_001999.3); short protein forms F467S.
Identifiers: ClinVar variation 1466321 (VCV001466321.10), dbSNP rs779849582, ClinGen allele CA3395811.

ClinVar aggregate classification (germline): Conflicting classifications of pathogenicity. Review status: criteria provided, conflicting classifications (1 of 4 stars). 3 submissions from 3 submitters: Uncertain significance (2); Benign (1). Last evaluated 2026-09-12.

Conditions:
Congenital contractural arachnodactyly (CCA). Also called: BEALS SYNDROME; Beals-Hecht syndrome; Arthrogryposis, distal, type 9. Identifiers: Orphanet 115, MedGen C0220668, MONDO:0007363, OMIM 121050.
Familial thoracic aortic aneurysm and aortic dissection (TAAD). Also called: Thoracic aortic aneurysms and dissections. Identifiers: Orphanet 91387, MedGen C4707243, MONDO:0019625.

Allele frequency attached by ClinVar (database versions not stated): gnomAD 0.00004; TOPMed 0.00004; ExAC 0.00001; gnomAD exomes below 0.00001.
gnomAD v4.1: 10 of 1,614,022 alleles (0.00062%); highest among the groups gnomAD compares: African/African-American, 0.011%; no homozygotes.

Submissions (3):

Ambry Genetics
Classification: Uncertain significance for Familial thoracic aortic aneurysm and aortic dissection. Last evaluated: 2026-09-12. Review status: criteria provided, single submitter. Criteria: Ambry Variant Classification Scheme 2023. Collection method: clinical testing. Allele origin: germline.
Comment: The p.F467S variant (also known as c.1400T>C), located in coding exon 10 of the FBN2 gene, results from a T to C substitution at nucleotide position 1400. The phenylalanine at codon 467 is replaced by serine, an amino acid with highly dissimilar properties. This amino acid position is conserved. In addition, the in silico prediction for this alteration is inconclusive. Based on the available evidence, the clinical significance of this variant remains unclear.

Labcorp Genetics (formerly Invitae), Labcorp
Classification: Benign for Congenital contractural arachnodactyly. Last evaluated: 2025-10-29. Review status: criteria provided, single submitter. Criteria: Invitae Variant Classification Sherloc (09022015). Collection method: clinical testing. Allele origin: germline.

AiLife Diagnostics
Classification: Uncertain significance. Last evaluated: 2021-12-03. Review status: criteria provided, single submitter. Criteria: ACMG Guidelines, 2015. Collection method: clinical testing. Allele origin: germline. Affected: yes. Observed: 2 variant alleles.